The following is an entry in ClinVar:

NM_004336.5(BUB1):c.2416C>G (p.Gln806Glu)

Gene: BUB1 (BUB1 mitotic checkpoint serine/threonine kinase; minus strand). Cytogenetic location: 2q13.
Variant type: single nucleotide variant.
Coding change: c.2416C>G on transcript NM_004336.5 (MANE Select); coding-DNA position 2416, C replaced by G.
Protein change: p.Gln806Glu; replaces glutamine 806 with glutamic acid.
Molecular consequence: missense variant.
Genome position (GRCh38, 1-based): chr2:110,642,166, G>C on the plus strand (C>G on the coding strand, the complement: BUB1 is on the minus strand). VCF-style: chr2-110642166-G-C. GRCh37 (hg19) VCF-style: chr2-111399743-G-C.
Other names: c.2356C>G, p.Gln786Glu (NM_001278616.2); c.2416C>G, p.Gln806Glu (NM_001278617.2); short protein forms Q786E, Q806E.
Identifiers: ClinVar variation 1790940 (VCV001790940.2), dbSNP rs2467973470, ClinGen allele CA348090931.

ClinVar aggregate classification (germline): Uncertain significance (1 of 4 stars; one submission).

Submission:

Ambry Genetics
Classification: Uncertain significance. Last evaluated: 2022-04-04. Review status: criteria provided, single submitter. Criteria: Ambry Variant Classification Scheme 2023. Collection method: clinical testing. Allele origin: germline.
Comment: The p.Q806E variant (also known as c.2416C>G), located in coding exon 20 of the BUB1 gene, results from a C to G substitution at nucleotide position 2416. The glutamine at codon 806 is replaced by glutamic acid, an amino acid with highly similar properties. This amino acid position is conserved. In addition, this alteration is predicted to be tolerated by in silico analysis. Since supporting evidence is limited at this time, the clinical significance of this alteration remains unclear.